The following is an entry in ClinVar:

ClinVar aggregate classification (germline): Pathogenic/Likely pathogenic. Review status: criteria provided, multiple submitters, no conflicts (2 of 4 stars). 12 submissions from 12 submitters: Pathogenic (8); Likely pathogenic (1). 3 of the submissions do not count toward it. Last evaluated 2025-08-21.

Conditions:
SLC25A15-related disorder. Also called: SLC25A15-related condition.
Hyperornithinemia-hyperammonemia-homocitrullinuria syndrome (HHHS). Also called: HHH SYNDROME; Ornithine translocase deficiency. Identifiers: Orphanet 415, MedGen C0268540, MONDO:0009393, OMIM 238970.

Submissions (12):

Natera, Inc.
Classification: Likely pathogenic for Hyperornithinemia-hyperammonemia-homocitrullinuria syndrome. Last evaluated: 2025-08-21. Review status: criteria provided, single submitter. Criteria: Natera Variant Classification Schema (03/2026). Collection method: clinical testing. Allele origin: germline.
Comment: The c.562_564delTTC variant in SLC25A15 is an in-frame deletion predicted to remove phenylalanine at amino acid 188 while preserving the reading frame. This variant is rare in the general population with a frequency below the threshold expected for the associated phenotype(s). This variant has been observed in one or more individuals affected with the associated recessive disease, as either homozygous or compound heterozygous with a second variant (PMID: 38833093, 25874378). Additionally, this variant has been observed to segregate in affected family members (PMID: 38833093). This variant results in a change to the protein length while preserving reading frame, which may disrupt normal protein structure or function. Computational prediction algorithms indicate this variant is likely to affect gene or protein function. Given the available evidence, this variant is classified as Likely Pathogenic.

Labcorp Genetics (formerly Invitae), Labcorp
Classification: Pathogenic for Hyperornithinemia-hyperammonemia-homocitrullinuria syndrome. Last evaluated: 2025-08-17. Review status: criteria provided, single submitter. Criteria: Invitae Variant Classification Sherloc (09022015). Collection method: clinical testing. Allele origin: germline.
Comment: This variant, c.562_564del, results in the deletion of 1 amino acid(s) of the SLC25A15 protein (p.Phe188del), but otherwise preserves the integrity of the reading frame. This variant is present in population databases (rs747270765, gnomAD 0.01%). This variant has been observed in individual(s) with hyperornithinemia-hyperammonemia-homocitrullinuria (HHH) (PMID: 10369256, 23247599). It is commonly reported in individuals of French ancestry (PMID: 10369256, 23247599). ClinVar contains an entry for this variant (Variation ID: 5992). Algorithms developed to predict the effect of variants on gene product structure and function are not available or were not evaluated for this variant. Experimental studies have shown that this variant affects SLC25A15 function (PMID: 10369256, 12807890, 23430880). For these reasons, this variant has been classified as Pathogenic.

Dasa
Classification: Pathogenic. Last evaluated: 2025-05-20. Review status: criteria provided, single submitter. Criteria: DASA Assertion Criteria. Collection method: clinical testing. Allele origin: germline.
Comment: NM_014252.4(SLC25A15):c.562_564del (p.Phe188del) is an in-frame deletion predicted to remove phenylalanine at protein position 188 without shifting the reading frame. This variant has been recurrently observed in individuals with SLC25A15-related disorders (PMID: 10369256; PMID: 23247599). Functional evidence supports an impact on the gene or gene product (PMID: 10369256; PMID: 23247599; PMID: 12807890). Also, this variant is rare in population databases. Based on the currently available evidence, this variant is classified as pathogenic.

Women's Health and Genetics/Laboratory Corporation of America, LabCorp
Classification: Pathogenic for Hyperornithinemia-hyperammonemia-homocitrullinuria syndrome. Last evaluated: 2024-08-27. Review status: criteria provided, single submitter. Criteria: LabCorp Variant Classification Summary - May 2015. Collection method: clinical testing. Allele origin: germline.
Comment: Variant summary: SLC25A15 c.562_564delTTC (p.Phe188del) results in an in-frame deletion that is predicted to remove one amino acid from the encoded protein. The variant allele was found at a frequency of 6.4e-05 in 251490 control chromosomes. This frequency is not significantly higher than estimated for a pathogenic variant in SLC25A15 causing Hyperornithinemia-Hyperammonemia-Homocitrullinuria Syndrome, allowing no conclusion about variant significance. c.562_564delTTC has been reported in the literature in multiple homozygous individuals of French ancestry affected with Hyperornithinemia-Hyperammonemia-Homocitrullinuria Syndrome (e.g. Debray_2008). These data indicate that the variant is very likely to be associated with disease. At least one publication reports experimental evidence evaluating an impact on protein function. The most pronounced variant effect results in significantly reduced ORNT1 transporting activity (e.g. Camacho_2006). The following publications have been ascertained in the context of this evaluation (PMID: 18978333, 10369256). ClinVar contains an entry for this variant (Variation ID: 5992). Based on the evidence outlined above, the variant was classified as pathogenic.

Blueprint Genetics
Classification: Pathogenic for SLC25A15-related disorders. Last evaluated: 2024-02-19. Review status: criteria provided, single submitter. Criteria: ACMG Guidelines, 2015. Collection method: clinical testing. Allele origin: germline. Affected: yes. Observed: 5 variant alleles.

Fulgent Genetics
Classification: Pathogenic for Hyperornithinemia-hyperammonemia-homocitrullinuria syndrome. Last evaluated: 2024-01-05. Review status: criteria provided, single submitter. Criteria: ACMG Guidelines, 2015. Collection method: clinical testing. Allele origin: germline.

3billion
Classification: Pathogenic for Hyperornithinemia-hyperammonemia-homocitrullinuria syndrome. Last evaluated: 2023-10-17. Review status: criteria provided, single submitter. Criteria: ACMG Guidelines, 2015. Collection method: clinical testing. Allele origin: germline. Affected: yes.
Comment: The variant is observed at an extremely low frequency in the gnomAD v2.1.1 dataset (total allele frequency: 0.006%). Predicted Consequence/Location: Inframe deletion located in a nonrepeat region: predicted to change the length of the protein and disrupt normal protein function. Functional studies provide moderate evidence of the variant having a damaging effect on the gene or gene product (PMID: 10369256). The variant has been reported at least twice as pathogenic with clinical assertions and evidence for the classification (ClinVar ID: VCV000005992 /PMID: 10369256). Therefore, this variant is classified as Pathogenic according to the recommendation of ACMG/AMP guideline.

GeneDx
Classification: Pathogenic. Last evaluated: 2022-11-22. Review status: criteria provided, single submitter. Criteria: GeneDx Variant Classification Process June 2021. Collection method: clinical testing. Allele origin: germline. Affected: yes.
Comment: Published functional studies demonstrate a damaging effect impairing stability and/or targeting transporter function (Camacho et al., 1999; Fiermonte et al., 2003); In-frame deletion of one amino acid in a non-repeat region predicted to critically alter the protein; Not observed at significant frequency in large population cohorts (gnomAD); In silico analysis supports a deleterious effect on protein structure/function; This variant is associated with the following publications: (PMID: 31980526, 12807890, 20574716, 31240152, 32340404, 25874378, 23430880, 23247599, 26549653, 18978333, 10369256)

Molecular Diagnostics Laboratory, M Health Fairview: University of Minnesota
Classification: Pathogenic for Hyperornithinemia-hyperammonemia-homocitrullinuria syndrome. Last evaluated: 2017-05-18. Review status: criteria provided, single submitter. Criteria: ACMG Guidelines, 2015. Collection method: clinical testing. Allele origin: germline. Affected: yes. Observed: 1 variant allele.

PreventionGenetics, part of Exact Sciences
Classification: Pathogenic for SLC25A15-related condition. Last evaluated: 2024-09-23. Review status: no assertion criteria provided. Collection method: clinical testing. Allele origin: germline. Not counted in ClinVar's aggregate classification.
Comment: The SLC25A15 c.562_564delTTC variant is predicted to result in an in-frame deletion (p.Phe188del). This variant has been reported as causative for hyperornithinemia-hyperammonemia-homocitrullinemia (HHH) syndrome. It is a common variant in French Canadian and northern Saskatchewan populations (Camacho et al. 1999. PubMed ID: 10369256; Sokoro et al. 2010. PubMed ID: 20574716). Functional studies have shown that this variant results in a loss in protein activity (Camacho et al. 1999. PubMed ID: 10369256). This variant is often designated as F188Δ in the literature. This variant is reported in 0.012% of alleles in individuals of European (Non-Finnish) descent in gnomAD. This variant is interpreted as pathogenic.

OMIM
Classification: Pathogenic for HHH SYNDROME. Last evaluated: 1999-06-01. Review status: no assertion criteria provided. Collection method: literature only. Allele origin: germline. Not counted in ClinVar's aggregate classification.

GeneReviews
No classification provided. Condition: Hyperornithinemia-hyperammonemia-homocitrullinuria syndrome. Review status: no classification provided. Collection method: literature only. Allele origin: germline. Not counted in ClinVar's aggregate classification.

Literature cited by the submitters: PubMed 38833093 (cited by Natera, Inc.); PubMed 25874378 (cited by Natera, Inc.); PubMed 10369256 (cited by 7 submitters); PubMed 23247599 (cited by Labcorp Genetics (formerly Invitae), Labcorp and Dasa); PubMed 12807890 (cited by 3 submitters); PubMed 23430880 (cited by Labcorp Genetics (formerly Invitae), Labcorp); PubMed 18978333 (cited by 3 submitters); PubMed 22649802 (cited by GeneReviews).

NM_014252.4(SLC25A15):c.553TTC[3] (p.Phe188del)

Gene: SLC25A15 (solute carrier family 25 member 15; plus strand). Cytogenetic location: 13q14.11.
Variant type: Microsatellite.
Coding change: c.553TTC[3] on transcript NM_014252.4 (MANE Select); three copies in a row of the 3-base unit TTC starting at c.553; the reference has four copies in a row; one copy, 3 bases deleted; also written c.562_564del.
Protein change: p.Phe188del; deletes phenylalanine 188.
Molecular consequence: inframe deletion.
Genome position (GRCh38, 1-based): chr13:40,807,403-40,807,405, TTC deleted; deleting any 3 consecutive bases within chr13:40,807,394-40,807,405 gives the same sequence; the position shown is the placement nearest the transcript's 3' end. VCF-style (leftmost placement, unchanged base first): chr13-40807393-TTTC-T. GRCh37 (hg19) VCF-style: chr13-41381529-TTTC-T.
Other names: c.562_564del (NM_014252.4, NM_014252.3); c.562_564delTTC (NM_014252.4); short protein forms F188del.
Identifiers: ClinVar variation 5992 (VCV000005992.27), dbSNP rs202247803, ClinGen allele CA340486.